The following is an entry in ClinVar:

NM_001330.5(CTF1):c.358C>T (p.Arg120Cys)

Genes: CTF1 (cardiotrophin 1; plus strand), LOC130058878 (ATAC-STARR-seq lymphoblastoid silent region 7400; plus strand). Cytogenetic location: 16p11.2.
Variant type: single nucleotide variant.
Coding change: c.358C>T on transcript NM_001330.5 (MANE Select); coding-DNA position 358, C replaced by T.
Protein change: p.Arg120Cys; replaces arginine 120 with cysteine.
Molecular consequence: missense variant. On other transcripts: non-coding transcript variant (1).
Genome position (GRCh38, 1-based): chr16:30,902,291, C>T. VCF-style: chr16-30902291-C-T. GRCh37 (hg19) VCF-style: chr16-30913612-C-T.
Other names: c.355C>T, p.Arg119Cys (NM_001142544.3); short protein forms R119C, R120C.
Identifiers: ClinVar variation 1450177 (VCV001450177.8), dbSNP rs2055409271, ClinGen allele CA395618952.

ClinVar aggregate classification (germline): Uncertain significance (1 of 4 stars; one submission).

Allele frequency attached by ClinVar (database versions not stated): TOPMed below 0.00001.

Submission:

Labcorp Genetics (formerly Invitae), Labcorp
Classification: Uncertain significance. Last evaluated: 2021-04-11. Review status: criteria provided, single submitter. Criteria: Invitae Variant Classification Sherloc (09022015). Collection method: clinical testing. Allele origin: germline.
Comment: In summary, the available evidence is currently insufficient to determine the role of this variant in disease. Therefore, it has been classified as a Variant of Uncertain Significance. Algorithms developed to predict the effect of missense changes on protein structure and function (SIFT, PolyPhen-2, Align-GVGD) all suggest that this variant is likely to be disruptive, but these predictions have not been confirmed by published functional studies and their clinical significance is uncertain. This variant has not been reported in the literature in individuals with CTF1-related conditions. The frequency data for this variant in the population databases is considered unreliable, as metrics indicate insufficient coverage at this position in the ExAC database. This sequence change replaces arginine with cysteine at codon 120 of the CTF1 protein (p.Arg120Cys). The arginine residue is highly conserved and there is a large physicochemical difference between arginine and cysteine.